The following is an entry in ClinVar:

ClinVar aggregate classification (germline): Uncertain significance. Review status: criteria provided, multiple submitters, no conflicts (2 of 4 stars). 2 submissions from 2 submitters: Uncertain significance (2). Last evaluated 2025-05-23.

Conditions:
Inborn genetic diseases. Identifiers: MedGen C0950123, MeSH D030342.

Submissions (2):

Ambry Genetics
Classification: Uncertain significance for Inborn genetic diseases. Last evaluated: 2025-05-23. Review status: criteria provided, single submitter. Criteria: Ambry Variant Classification Scheme 2023. Collection method: clinical testing. Allele origin: germline.

GeneDx
Classification: Uncertain significance. Last evaluated: 2023-04-11. Review status: criteria provided, single submitter. Criteria: GeneDx Variant Classification Process June 2021. Collection method: clinical testing. Allele origin: germline. Affected: yes.
Comment: Not observed at significant frequency in large population cohorts (gnomAD); In silico analysis supports that this missense variant has a deleterious effect on protein structure/function; Has not been previously published as pathogenic or benign to our knowledge

NM_004172.5(SLC1A3):c.209C>T (p.Pro70Leu)

Gene: SLC1A3 (solute carrier family 1 member 3; plus strand). Cytogenetic location: 5p13.2.
Variant type: single nucleotide variant.
Coding change: c.209C>T on transcript NM_004172.5 (MANE Select); coding-DNA position 209, C replaced by T.
Protein change: p.Pro70Leu; replaces proline 70 with leucine.
Molecular consequence: missense variant. On other transcripts: intron variant (1).
Genome position (GRCh38, 1-based): chr5:36,629,477, C>T. VCF-style: chr5-36629477-C-T. GRCh37 (hg19) VCF-style: chr5-36629579-C-T.
Other names: c.209C>T, p.Pro70Leu (NM_001166695.3, NM_001289940.2); c.181+20873C>T (NM_001289939.2); short protein forms P70L.
Identifiers: ClinVar variation 3342913 (VCV003342913.2).